The following is an entry in ClinVar:

ClinVar aggregate classification (germline): Uncertain significance (1 of 4 stars; one submission).

Conditions:
Familial focal epilepsy with variable foci (FPEVF). Identifiers: Orphanet 98820, MedGen C1858477, MONDO:0020310.

Submission:

Labcorp Genetics (formerly Invitae), Labcorp
Classification: Uncertain significance for Familial focal epilepsy with variable foci. Last evaluated: 2025-04-26. Review status: criteria provided, single submitter. Criteria: Invitae Variant Classification Sherloc (09022015). Collection method: clinical testing. Allele origin: germline.
Comment: This sequence change replaces phenylalanine, which is neutral and non-polar, with leucine, which is neutral and non-polar, at codon 221 of the DEPDC5 protein (p.Phe221Leu). This variant is not present in population databases (gnomAD no frequency). This variant has not been reported in the literature in individuals affected with DEPDC5-related conditions. Experimental studies and prediction algorithms are not available or were not evaluated, and the functional significance of this variant is currently unknown. In summary, the available evidence is currently insufficient to determine the role of this variant in disease. Therefore, it has been classified as a Variant of Uncertain Significance.

NM_001242896.3(DEPDC5):c.663T>G (p.Phe221Leu)

Gene: DEPDC5 (DEP domain containing 5, GATOR1 subcomplex subunit; plus strand). Cytogenetic location: 22q12.2.
Variant type: single nucleotide variant.
Coding change: c.663T>G on transcript NM_001242896.3 (MANE Select); coding-DNA position 663, T replaced by G.
Protein change: p.Phe221Leu; replaces phenylalanine 221 with leucine.
Molecular consequence: missense variant. On other transcripts: non-coding transcript variant (5).
Genome position (GRCh38, 1-based): chr22:31,792,071, T>G. VCF-style: chr22-31792071-T-G. GRCh37 (hg19) VCF-style: chr22-32188057-T-G.
Other names: c.663T>G, p.Phe221Leu (NM_001007188.4, NM_001136029.4, NM_001242897.2 and 7 more transcripts); c.579T>G, p.Phe193Leu (NM_001369901.1, NM_001369902.1); short protein forms F193L, F221L.
Identifiers: ClinVar variation 4718340 (VCV004718340.1).